The following is an entry in ClinVar:

ClinVar aggregate classification (germline): Pathogenic/Likely pathogenic. Review status: criteria provided, multiple submitters, no conflicts (2 of 4 stars). 5 submissions from 5 submitters: Pathogenic (2); Likely pathogenic (1). 2 of the submissions do not count toward it. Last evaluated 2023-09-26.

Conditions:
Intellectual developmental disorder, autosomal dominant 39. Also called: Intellectual disability, autosomal dominant 39; Mental retardation, autosomal dominant 39. Identifiers: MedGen C4225296, MONDO:0014678, OMIM 616521.
Intellectual disability. Also called: Intellectual developmental disorder; Intellectual functioning disability; intellectual disabilities. Identifiers: MedGen C3714756, MeSH D008607, MONDO:0001071, HP:0001249.

Submissions (5):

GeneDx
Classification: Pathogenic. Last evaluated: 2023-09-26. Review status: criteria provided, single submitter. Criteria: GeneDx Variant Classification Process June 2021. Collection method: clinical testing. Allele origin: germline. Affected: yes.
Comment: Frameshift variant predicted to result in protein truncation or nonsense mediated decay in a gene for which loss of function is a known mechanism of disease; This variant is associated with the following publications: (PMID: 30055078)

Victorian Clinical Genetics Services, Murdoch Childrens Research Institute
Classification: Pathogenic for Intellectual developmental disorder, autosomal dominant 39. Last evaluated: 2022-03-31. Review status: criteria provided, single submitter. Criteria: ACMG Guidelines, 2015. Collection method: clinical testing. Allele origin: germline. Inheritance: Autosomal dominant inheritance. Affected: yes.
Comment: Based on the classification scheme VCGS_Germline_v1.3.4, this variant is classified as Pathogenic. Following criteria are met: 0102 - Loss of function is a known mechanism of disease in this gene and is associated with intellectual disability, autosomal dominant 39 (MIM#616521). (I) 0107 - This gene is associated with autosomal dominant disease. (I) 0201 - Variant is predicted to cause nonsense-mediated decay (NMD) and loss of protein (premature termination codon is located at least 54 nucleotides upstream of the final exon-exon junction). (SP) 0251 - This variant is heterozygous. (I) 0302 - Variant is present in gnomAD (v2) <0.001 for a dominant condition (1 heterozygote, 0 homozygotes). (SP) 0701 - Other NMD predicted variants comparable to the one identified in this case have very strong previous evidence for pathogenicity (DECIPHER). (SP) 0801 - This variant has strong previous evidence of pathogenicity in unrelated individuals. This variant has been observed in three individals with intellectual disability, autosomal dominant 39 (MIM#616521), including two individuals where the variant was confirmed de novo (ClinVar, DECIPHER, PMID: 30055078). (SP) 0905 - No published segregation evidence has been identified for this variant. (I) 1007 - No published functional evidence has been identified for this variant. (SP) Legend: (SP) - Supporting pathogenic, (I) - Information, (SB) - Supporting benign

Diagnostic Laboratory, Strasbourg University Hospital
Classification: Likely pathogenic for Intellectual disability. Last evaluated: 2020-04-20. Review status: criteria provided, single submitter. Criteria: ACMG Guidelines, 2015. Collection method: clinical testing. Allele origin: de novo. Inheritance: Autosomal dominant inheritance. Affected: yes. Observed: 1 heterozygote.

Zotz-Klimas Genetics Lab, MVZ Zotz Klimas
Classification: Likely pathogenic for Intellectual developmental disorder, autosomal dominant 39. Last evaluated: 2023-11-24. Review status: no assertion criteria provided. Collection method: clinical testing. Allele origin: germline. Affected: yes. Not counted in ClinVar's aggregate classification.

OMIM
Classification: Pathogenic for INTELLECTUAL DEVELOPMENTAL DISORDER, AUTOSOMAL DOMINANT 39. Last evaluated: 2022-01-13. Review status: no assertion criteria provided. Collection method: literature only. Allele origin: germline. Not counted in ClinVar's aggregate classification.

Literature cited by the submitters: PubMed 30055078 (cited by Victorian Clinical Genetics Services, Murdoch Childrens Research Institute and OMIM).

NM_001303052.2(MYT1L):c.2221_2230del (p.Thr741fs)

Gene: MYT1L (myelin transcription factor 1 like; minus strand). Cytogenetic location: 2p25.3.
Variant type: Deletion.
Coding change: c.2221_2230del on transcript NM_001303052.2 (MANE Select); coding-DNA positions 2221 to 2230, 10 bases deleted (ACGCGCTGCC; older notation c.2221_2230delACGCGCTGCC).
Protein change: p.Thr741fs; shifts the reading frame from threonine 741.
Molecular consequence: frameshift variant.
Genome position (GRCh38, 1-based): chr2:1,892,090-1,892,099, GGCAGCGCGT deleted on the plus strand (ACGCGCTGCC on the coding strand, the reverse complement: MYT1L is on the minus strand); deleting any 10 consecutive bases within chr2:1,892,090-1,892,101 gives the same sequence; the c. name uses the placement nearest the transcript's 3' end. VCF-style (leftmost placement, unchanged base first): chr2-1892089-CGGCAGCGCGT-C. GRCh37 (hg19) VCF-style: chr2-1895861-CGGCAGCGCGT-C.
Other names: c.2221_2230delACGCGCTGCC (NM_001303052.1); c.2215_2224del (NM_015025.2); c.2221_2230del, p.Thr741fs (NM_001329844.2, NM_001329845.1, NM_001329851.3); c.2215_2224del, p.Thr739fs (NM_001329846.3, NM_001329847.2, NM_001329848.1 and 3 more transcripts); short protein forms T739fs, T741fs.
Identifiers: ClinVar variation 617454 (VCV000617454.7), dbSNP rs1253072668, ClinGen allele CA530846922.
Genomic context (GRCh38, chr2:1,892,089, plus strand): 5'-GCGCGTACCCGCGTGGCGCACAGGTCCTGCGGCTTGGTGCTCAGGTTCTGCGGCATCTCG[CGGCAGCGCGT>C]GGACAGGTTGAGGATGGCGGTGGCCGCCATGTGGGCCGCCTCCATGTCGTGCGTGTAGTC-3'